The following is an entry in ClinVar:

ClinVar aggregate classification (germline): Likely pathogenic. Review status: criteria provided, multiple submitters, no conflicts (2 of 4 stars). 2 submissions from 2 submitters: Likely pathogenic (2). Last evaluated 2026-02-25.

Conditions:
Cardiovascular phenotype. Identifiers: MedGen CN230736.
Dilated cardiomyopathy 1G (CMD1G). Identifiers: Orphanet 154, MedGen C1858763, MONDO:0011400, OMIM 604145.
Autosomal recessive limb-girdle muscular dystrophy type 2J (LGMDR10). Also called: Limb-girdle muscular dystrophy, type 2J; MUSCULAR DYSTROPHY, LIMB-GIRDLE, AUTOSOMAL RECESSIVE 10. Identifiers: Orphanet 140922, MedGen C1837342, MONDO:0012127, OMIM 608807.

Submissions (2):

Ambry Genetics
Classification: Likely pathogenic for Cardiovascular phenotype. Last evaluated: 2026-02-25. Review status: criteria provided, single submitter. Criteria: Ambry Variant Classification Scheme 2023. Collection method: clinical testing. Allele origin: germline.
Comment: The p.S22456* variant (also known as c.67367C>G), located in coding exon 168 of the TTN gene, results from a C to G substitution at nucleotide position 67367. This changes the amino acid from a serine to a stop codon within coding exon 168. This exon is located in the A-band region of the N2-B isoform of the titin protein and is constitutively expressed in TTN transcripts (percent spliced in or PSI 100%). This variant is considered to be rare based on population cohorts in the Genome Aggregation Database (gnomAD). This variant is expected to result in loss of function by premature protein truncation or nonsense-mediated mRNA decay. While truncating variants in TTN are present in 1-3% of the general population, truncating variants in the A-band are the most common cause of dilated cardiomyopathy (Herman DS et al. N. Engl. J. Med., 2012 Feb;366:619-28; Roberts AM et al. Sci Transl Med, 2015 Jan;7:270ra6). TTN truncating variants encoded in constitutive exons (PSI >90%) have been found to be significantly associated with DCM regardless of their position in titin (Schafer S et al. Nat. Genet., 2017 01;49:46-53; Akhtar MM et al. Circ Heart Fail, 2020 Oct;13:e006832; Massier M et al. Clin Genet, 2025 Jan). Based on the majority of available evidence to date, this variant is likely to be pathogenic.

Labcorp Genetics (formerly Invitae), Labcorp
Classification: Likely pathogenic for Dilated cardiomyopathy 1G; Autosomal recessive limb-girdle muscular dystrophy type 2J. Last evaluated: 2025-12-03. Review status: criteria provided, single submitter. Criteria: Invitae Variant Classification Sherloc (09022015). Collection method: clinical testing. Allele origin: germline.
Comment: This sequence change creates a premature translational stop signal (p.Ser31521*) in the TTN gene. While this is not anticipated to result in nonsense mediated decay, it is expected to create a truncated TTN protein. This variant is not present in population databases (gnomAD no frequency). This variant has not been reported in the literature in individuals affected with TTN-related conditions. ClinVar contains an entry for this variant (Variation ID: 1755162). This variant is located in the A band of TTN (PMID: 25589632). Truncating variants in this region are significantly overrepresented in patients affected with dilated cardiomyopathy (PMID: 25589632). Truncating variants in this region have also been reported in individuals affected with autosomal recessive centronuclear myopathy (PMID: 23975875). In summary, the currently available evidence indicates that the variant is pathogenic, but additional data are needed to prove that conclusively. Therefore, this variant has been classified as Likely Pathogenic.

Literature cited by the submitters: PubMed 25589632 (cited by Labcorp Genetics (formerly Invitae), Labcorp); PubMed 23975875 (cited by Labcorp Genetics (formerly Invitae), Labcorp).

NM_001267550.2(TTN):c.94562C>G (p.Ser31521Ter)

Genes: TTN (titin; minus strand), TTN-AS1 (TTN antisense RNA 1; plus strand). Cytogenetic location: 2q31.2.
Variant type: single nucleotide variant.
Coding change: c.94562C>G on transcript NM_001267550.2 (MANE Select); coding-DNA position 94562, C replaced by G.
Protein change: p.Ser31521Ter; replaces serine 31521 with a stop codon.
Molecular consequence: nonsense.
Genome position (GRCh38, 1-based): chr2:178,546,866, G>C on the plus strand (C>G on the coding strand, the complement: TTN is on the minus strand). VCF-style: chr2-178546866-G-C. GRCh37 (hg19) VCF-style: chr2-179411593-G-C.
Other names: c.89639C>G, p.Ser29880Ter (NM_001256850.1); c.67367C>G, p.Ser22456Ter (NM_003319.4); c.86858C>G, p.Ser28953Ter (NM_133378.4); c.67742C>G, p.Ser22581Ter (NM_133432.3); c.67943C>G, p.Ser22648Ter (NM_133437.4); short protein forms S28953*, S31521*, S22456*, S22581*, S29880*, S22648*.
Identifiers: ClinVar variation 1755162 (VCV001755162.6), dbSNP rs2469069452, ClinGen allele CA349472538.